The following is an entry in ClinVar:

ClinVar aggregate classification (germline): Pathogenic. Review status: criteria provided, multiple submitters, no conflicts (2 of 4 stars). 2 submissions from 2 submitters: Pathogenic (2). Last evaluated 2024-07-30.

Conditions:
Hereditary cancer-predisposing syndrome. Also called: Neoplastic Syndromes, Hereditary; Hereditary neoplastic syndrome; Tumor predisposition; Hereditary Cancer Syndrome. Identifiers: Orphanet 140162, MedGen C0027672, MeSH D009386, MONDO:0015356.
Cardiovascular phenotype. Identifiers: MedGen CN230736.

Submissions (2):

Labcorp Genetics (formerly Invitae), Labcorp
Classification: Pathogenic. Last evaluated: 2024-07-30. Review status: criteria provided, single submitter. Criteria: Invitae Variant Classification Sherloc (09022015). Collection method: clinical testing. Allele origin: germline.
Comment: This sequence change creates a premature translational stop signal (p.Gly5Trpfs*31) in the LZTR1 gene. It is expected to result in an absent or disrupted protein product. Loss-of-function variants in LZTR1 are known to be pathogenic (PMID: 24362817, 25335493, 25480913, 25795793, 29469822, 30368668, 30442762, 30442766, 30481304, 30859559). This variant is not present in population databases (gnomAD no frequency). This variant has not been reported in the literature in individuals affected with LZTR1-related conditions. ClinVar contains an entry for this variant (Variation ID: 2456291). For these reasons, this variant has been classified as Pathogenic.

Ambry Genetics
Classification: Pathogenic for Cardiovascular phenotype; Hereditary cancer-predisposing syndrome. Last evaluated: 2023-03-13. Review status: criteria provided, single submitter. Criteria: Ambry Variant Classification Scheme 2023. Collection method: clinical testing. Allele origin: germline.
Comment: The c.5_11dupCTGGACC pathogenic mutation, located in coding exon 1 of the LZTR1 gene, results from a duplication of CTGGACC at nucleotide position 5, causing a translational frameshift with a predicted alternate stop codon (p.G5Wfs*31). This alteration is expected to result in loss of function by premature protein truncation or nonsense-mediated mRNA decay. Loss-of-function variants in LZTR1 are related to an increased risk for schwannomas and autosomal recessive Noonan syndrome; however, such associations with autosomal dominant Noonan syndrome have not been observed (Piotrowski A et al. Nat Genet. 2014 Feb;46:182-7; Yamamoto GL et al. J Med Genet. 2015 Jun;52:413-21; Johnston JJ et al. Genet Med. 2018 10;20:1175-1185). Based on the supporting evidence, this variant is pathogenic for an increased risk of LZTR1-related schwannomatosis (SWN) and would be expected to cause autosomal recessive Noonan syndrome when present along with a second pathogenic or likely pathogenic variant on the other allele; however, the association of this alteration with autosomal dominant Noonan syndrome is unlikely.

Literature cited by the submitters: PubMed 24362817 (cited by Labcorp Genetics (formerly Invitae), Labcorp); PubMed 25335493 (cited by Labcorp Genetics (formerly Invitae), Labcorp); PubMed 25480913 (cited by Labcorp Genetics (formerly Invitae), Labcorp); PubMed 25795793 (cited by Labcorp Genetics (formerly Invitae), Labcorp); PubMed 29469822 (cited by Labcorp Genetics (formerly Invitae), Labcorp); PubMed 30368668 (cited by Labcorp Genetics (formerly Invitae), Labcorp); PubMed 30442762 (cited by Labcorp Genetics (formerly Invitae), Labcorp); PubMed 30442766 (cited by Labcorp Genetics (formerly Invitae), Labcorp); PubMed 30481304 (cited by Labcorp Genetics (formerly Invitae), Labcorp); PubMed 30859559 (cited by Labcorp Genetics (formerly Invitae), Labcorp).

NM_006767.4(LZTR1):c.5_11dup (p.Gly5fs)

Genes: LZTR1 (leucine zipper like post translational regulator 1; plus strand), LOC130067016 (ATAC-STARR-seq lymphoblastoid silent region 13504; plus strand). Cytogenetic location: 22q11.21.
Variant type: Duplication.
Coding change: c.5_11dup on transcript NM_006767.4 (MANE Select); coding-DNA positions 5 to 11, 7 bases duplicated (CTGGACC; older notation c.5_11dupCTGGACC).
Protein change: p.Gly5fs; shifts the reading frame from glycine 5.
Molecular consequence: frameshift variant.
Genome position (GRCh38, 1-based): chr22:20,982,376-20,982,382, CTGGACC duplicated. VCF-style (leftmost placement, unchanged base first): chr22-20982375-G-GCTGGACC. GRCh37 (hg19) VCF-style: chr22-21336664-G-GCTGGACC.
Other names: short protein forms G5fs.
Identifiers: ClinVar variation 2456291 (VCV002456291.5), dbSNP rs2518607537, ClinGen allele CA2580099149.